The following is an entry in ClinVar:

ClinVar aggregate classification (germline): Likely benign. Review status: criteria provided, multiple submitters, no conflicts (2 of 4 stars). 2 submissions from 2 submitters: Likely benign (2). Last evaluated 2023-03-23.

Conditions:
Hereditary cancer-predisposing syndrome. Also called: Neoplastic Syndromes, Hereditary; Tumor predisposition; Hereditary neoplastic syndrome; Hereditary Cancer Syndrome. Identifiers: Orphanet 140162, MedGen C0027672, MeSH D009386, MONDO:0015356.

Submissions (2):

University of Washington Department of Laboratory Medicine, University of Washington
Classification: Likely benign for Hereditary cancer-predisposing syndrome. Last evaluated: 2023-03-23. Review status: criteria provided, single submitter. Criteria: Dines et al. (Genet Med. 2020). Collection method: curation. Allele origin: germline.
Comment: Missense variant in a coldspot region where missense variants are very unlikely to be pathogenic (PMID:31911673).

BRCA1 coldspot (exon 11 using historical exon numbering). Reclassification based on statistical prior probability

Ambry Genetics
Classification: Likely benign for Hereditary cancer-predisposing syndrome. Last evaluated: 2019-01-02. Review status: criteria provided, single submitter. Criteria: Ambry Variant Classification Scheme 2023. Collection method: clinical testing. Allele origin: germline.

NM_007294.4(BRCA1):c.3995G>A (p.Gly1332Glu)

Genes: BRCA1 (BRCA1 DNA repair associated; minus strand), LOC126862571 (BRD4-independent group 4 enhancer GRCh37_chr17:41243136-41244335; plus strand). Cytogenetic location: 17q21.31.
Variant type: single nucleotide variant.
Coding change: c.3995G>A on transcript NM_007294.4 (MANE Select); coding-DNA position 3995, G replaced by A.
Protein change: p.Gly1332Glu; replaces glycine 1332 with glutamic acid.
Molecular consequence: missense variant. On other transcripts: intron variant (135).
Genome position (GRCh38, 1-based): chr17:43,091,536, C>T on the plus strand (G>A on the coding strand, the complement: BRCA1 is on the minus strand). VCF-style: chr17-43091536-C-T. GRCh37 (hg19) VCF-style: chr17-41243553-C-T.
Other names: c.3782G>A, p.Gly1261Glu (NM_001407571.1, NM_001407853.1, NM_001407894.1 and 9 more transcripts); c.3995G>A, p.Gly1332Glu (NM_001407581.1, NM_001407582.1, NM_001407583.1 and 30 more transcripts); c.3992G>A, p.Gly1331Glu (NM_001407587.1, NM_001407590.1, NM_001407591.1 and 22 more transcripts); c.3986G>A, p.Gly1329Glu (NM_001407646.1, NM_001407647.1); c.3872G>A, p.Gly1291Glu (NM_001407648.1, NM_001407664.1, NM_001407665.1 and 19 more transcripts); c.3869G>A, p.Gly1290Glu (NM_001407649.1, NM_001407670.1, NM_001407671.1 and 11 more transcripts); c.3917G>A, p.Gly1306Glu (NM_001407653.1, NM_001407654.1, NM_001407655.1 and 4 more transcripts); c.3914G>A, p.Gly1305Glu (NM_001407659.1, NM_001407660.1, NM_001407661.1 and 1 more transcripts); and 41 more; short protein forms G1285E, G1332E, G1205E, G1244E, G1265E, G1036E, G1204E, G1262E.
Identifiers: ClinVar variation 824466 (VCV000824466.7), dbSNP rs730881490, ClinGen allele CA10593971.